The following is an entry in ClinVar:

ClinVar aggregate classification (germline): Benign/Likely benign. Review status: criteria provided, multiple submitters, no conflicts (2 of 4 stars). 4 submissions from 4 submitters: Benign (2); Likely benign (1). 1 of the submissions does not count toward it. Last evaluated 2025-08-01.

Conditions:
TEX15-related disorder. Also called: TEX15-related condition.

Allele frequency attached by ClinVar (database versions not stated): 1000 Genomes Project 30x 0.00172; 1000 Genomes Project 0.00180; TOPMed 0.00405; ExAC 0.00469; gnomAD 0.00480 and 0.00501; gnomAD exomes 0.00529 and 0.00687; ESP Exome Variant Server 0.00592.
gnomAD v4.1: 10,701 of 1,614,150 alleles (0.66%); highest among the groups gnomAD compares: Non-Finnish European, 0.76%; 46 homozygotes.

Submissions (4):

CeGaT Center for Human Genetics Tuebingen
Classification: Likely benign. Last evaluated: 2025-08-01. Review status: criteria provided, single submitter. Criteria: CeGaT Center For Human Genetics Tuebingen Variant Classification Criteria Version 2. Collection method: clinical testing. Allele origin: germline. Affected: yes. Observed: 1 variant allele.
Comment: TEX15: BP4, BS2

Labcorp Genetics (formerly Invitae), Labcorp
Classification: Benign. Last evaluated: 2018-07-13. Review status: criteria provided, single submitter. Criteria: Invitae Variant Classification Sherloc (09022015). Collection method: clinical testing. Allele origin: germline.

Breakthrough Genomics
Classification: Benign. Review status: criteria provided, single submitter. Criteria: ACMG Guidelines, 2015. Collection method: not provided. Allele origin: germline. Inheritance: Autosomal recessive inheritance. Affected: yes.

PreventionGenetics, part of Exact Sciences
Classification: Benign for TEX15-related condition. Last evaluated: 2019-07-12. Review status: no assertion criteria provided. Collection method: clinical testing. Allele origin: germline. Not counted in ClinVar's aggregate classification.
Comment: This variant is classified as benign based on ACMG/AMP sequence variant interpretation guidelines (Richards et al. 2015 PMID: 25741868, with internal and published modifications).

NM_001350162.2(TEX15):c.9368C>T (p.Ser3123Phe)

Gene: TEX15 (testis expressed 15, meiosis and synapsis associated; minus strand). Cytogenetic location: 8p12.
Variant type: single nucleotide variant.
Coding change: c.9368C>T on transcript NM_001350162.2 (MANE Select); coding-DNA position 9368, C replaced by T.
Protein change: p.Ser3123Phe; replaces serine 3123 with phenylalanine.
Molecular consequence: missense variant.
Genome position (GRCh38, 1-based): chr8:30,836,916, G>A on the plus strand (C>T on the coding strand, the complement: TEX15 is on the minus strand). VCF-style: chr8-30836916-G-A. GRCh37 (hg19) VCF-style: chr8-30694432-G-A.
Other names: c.8219C>T (NM_031271.3); short protein forms S3123F.
Identifiers: ClinVar variation 770379 (VCV000770379.14), dbSNP rs145972852, ClinGen allele CA4702141.